The following is an entry in ClinVar:

ClinVar aggregate classification (germline): Uncertain significance (1 of 4 stars; one submission).

Conditions:
Autosomal dominant nonsyndromic hearing loss 1. Also called: DEAFNESS, AUTOSOMAL DOMINANT 1, WITH OR WITHOUT THROMBOCYTOPENIA; KONIGSMARK SYNDROME. Identifiers: Orphanet 90635, MedGen C1852282, MONDO:0007424, OMIM 124900.
Progressive microcephaly-seizures-cortical blindness-developmental delay syndrome. Also called: Seizures, cortical blindness, and microcephaly syndrome. Identifiers: Orphanet 477814, MedGen C5567650, MONDO:0014714, OMIM 616632.

Submission:

Labcorp Genetics (formerly Invitae), Labcorp
Classification: Uncertain significance for Progressive microcephaly-seizures-cortical blindness-developmental delay syndrome; Autosomal dominant nonsyndromic hearing loss 1. Last evaluated: 2024-07-23. Review status: criteria provided, single submitter. Criteria: Invitae Variant Classification Sherloc (09022015). Collection method: clinical testing. Allele origin: germline.
Comment: This sequence change replaces glutamic acid, which is acidic and polar, with lysine, which is basic and polar, at codon 547 of the DIAPH1 protein (p.Glu547Lys). This variant is not present in population databases (gnomAD no frequency). This variant has not been reported in the literature in individuals affected with DIAPH1-related conditions. ClinVar contains an entry for this variant (Variation ID: 1995193). An algorithm developed to predict the effect of missense changes on protein structure and function outputs the following: PolyPhen-2: "Not Available". The lysine amino acid residue is found in multiple mammalian species, which suggests that this missense change does not adversely affect protein function. In summary, the available evidence is currently insufficient to determine the role of this variant in disease. Therefore, it has been classified as a Variant of Uncertain Significance.

NM_005219.5(DIAPH1):c.1639G>A (p.Glu547Lys)

Gene: DIAPH1 (diaphanous related formin 1; minus strand). Cytogenetic location: 5q31.3.
Variant type: single nucleotide variant.
Coding change: c.1639G>A on transcript NM_005219.5 (MANE Select); coding-DNA position 1639, G replaced by A.
Protein change: p.Glu547Lys; replaces glutamic acid 547 with lysine.
Molecular consequence: missense variant.
Genome position (GRCh38, 1-based): chr5:141,574,969, C>T on the plus strand (G>A on the coding strand, the complement: DIAPH1 is on the minus strand). VCF-style: chr5-141574969-C-T. GRCh37 (hg19) VCF-style: chr5-140954536-C-T.
Other names: c.1612G>A, p.Glu538Lys (NM_001079812.3); c.1639G>A, p.Glu547Lys (NM_001314007.2); short protein forms E547K, E538K.
Identifiers: ClinVar variation 1995193 (VCV001995193.4), dbSNP rs1317819365, ClinGen allele CA361522903.